The following is an entry in ClinVar:

ClinVar aggregate classification (germline): Uncertain significance (1 of 4 stars; one submission).

Submission:

GeneDx
Classification: Uncertain significance. Last evaluated: 2022-09-21. Review status: criteria provided, single submitter. Criteria: GeneDx Variant Classification Process June 2021. Collection method: clinical testing. Allele origin: germline. Affected: yes.
Comment: Not observed at significant frequency in large population cohorts (gnomAD); In silico analysis supports that this missense variant has a deleterious effect on protein structure/function; Has not been previously published as pathogenic or benign to our knowledge

NM_003221.4(TFAP2B):c.872T>C (p.Ile291Thr)

Gene: TFAP2B (transcription factor AP-2 beta; plus strand). Cytogenetic location: 6p12.3.
Variant type: single nucleotide variant.
Coding change: c.872T>C on transcript NM_003221.4 (MANE Select); coding-DNA position 872, T replaced by C.
Protein change: p.Ile291Thr; replaces isoleucine 291 with threonine.
Molecular consequence: missense variant.
Genome position (GRCh38, 1-based): chr6:50,838,025, T>C. VCF-style: chr6-50838025-T-C. GRCh37 (hg19) VCF-style: chr6-50805738-T-C.
Other names: short protein forms I291T.
Identifiers: ClinVar variation 2446085 (VCV002446085.1), dbSNP rs2533148377, ClinGen allele CA364415324.